The following is an entry in ClinVar:

ClinVar aggregate classification (germline): Uncertain significance (1 of 4 stars; one submission).

Allele frequency attached by ClinVar (database versions not stated): gnomAD exomes 0.00004; ExAC 0.00006; gnomAD 0.00006 and 0.00007; TOPMed 0.00006; ESP Exome Variant Server 0.00008; 1000 Genomes Project 30x 0.00016.
gnomAD v4.1: 61 of 1,613,954 alleles (0.0038%); highest among the groups gnomAD compares: African/African-American, 0.012%; no homozygotes.

Submission:

Labcorp Genetics (formerly Invitae), Labcorp
Classification: Uncertain significance. Last evaluated: 2025-02-04. Review status: criteria provided, single submitter. Criteria: Invitae Variant Classification Sherloc (09022015). Collection method: clinical testing. Allele origin: germline.
Comment: This sequence change replaces threonine, which is neutral and polar, with methionine, which is neutral and non-polar, at codon 309 of the CLCC1 protein (p.Thr309Met). This variant is present in population databases (rs368258783, gnomAD 0.01%). This variant has not been reported in the literature in individuals affected with CLCC1-related conditions. ClinVar contains an entry for this variant (Variation ID: 938431). An algorithm developed to predict the effect of missense changes on protein structure and function (PolyPhen-2) suggests that this variant is likely to be disruptive. In summary, the available evidence is currently insufficient to determine the role of this variant in disease. Therefore, it has been classified as a Variant of Uncertain Significance.

NM_001377458.1(CLCC1):c.926C>T (p.Thr309Met)

Gene: CLCC1 (chloride channel CLIC like 1; minus strand). Cytogenetic location: 1p13.3.
Variant type: single nucleotide variant.
Coding change: c.926C>T on transcript NM_001377458.1 (MANE Select); coding-DNA position 926, C replaced by T.
Protein change: p.Thr309Met; replaces threonine 309 with methionine.
Molecular consequence: missense variant. On other transcripts: non-coding transcript variant (1).
Genome position (GRCh38, 1-based): chr1:108,939,751, G>A on the plus strand (C>T on the coding strand, the complement: CLCC1 is on the minus strand). VCF-style: chr1-108939751-G-A. GRCh37 (hg19) VCF-style: chr1-109482373-G-A.
Other names: c.926C>T, p.Thr309Met (NM_001048210.3, NM_001377459.1, NM_001377460.1 and 8 more transcripts); c.563C>T, p.Thr188Met (NM_001278202.2); c.371C>T, p.Thr124Met (NM_001278203.1); c.824C>T, p.Thr275Met (NM_001377469.1); c.635C>T, p.Thr212Met (NM_001377470.1); c.776C>T, p.Thr259Met (NM_015127.5); short protein forms T212M, T275M, T124M, T309M, T188M, T259M.
Identifiers: ClinVar variation 938431 (VCV000938431.9), dbSNP rs368258783, ClinGen allele CA983459.